The following is an entry in ClinVar:

ClinVar aggregate classification (germline): Uncertain significance (1 of 4 stars; one submission).

Conditions:
GLUT1 deficiency syndrome 1, autosomal recessive. Identifiers: MedGen C3149117.

Submission:

Labcorp Genetics (formerly Invitae), Labcorp
Classification: Uncertain significance for GLUT1 deficiency syndrome 1, autosomal recessive. Last evaluated: 2020-07-01. Review status: criteria provided, single submitter. Criteria: Invitae Variant Classification Sherloc (09022015). Collection method: clinical testing. Allele origin: germline.
Comment: This variant has not been reported in the literature in individuals with SLC2A1-related conditions. This variant is not present in population databases (ExAC no frequency). This sequence change replaces serine with cysteine at codon 294 of the SLC2A1 protein (p.Ser294Cys). The serine residue is highly conserved and there is a moderate physicochemical difference between serine and cysteine. In summary, the available evidence is currently insufficient to determine the role of this variant in disease. Therefore, it has been classified as a Variant of Uncertain Significance. This variant disrupts the p.Ser294 amino acid residue in SLC2A1. Other variant(s) that disrupt this residue have been observed in individuals with SLC2A1-related conditions (PMID: 20830593, 21649651), which suggests that this may be a clinically significant amino acid residue. Algorithms developed to predict the effect of missense changes on protein structure and function (SIFT, PolyPhen-2, Align-GVGD) all suggest that this variant is likely to be disruptive, but these predictions have not been confirmed by published functional studies and their clinical significance is uncertain.

Literature cited by the submitters: PubMed 20830593; PubMed 21649651.

NM_006516.4(SLC2A1):c.881C>G (p.Ser294Cys)

Gene: SLC2A1 (solute carrier family 2 member 1; minus strand). Cytogenetic location: 1p34.2.
Variant type: single nucleotide variant.
Coding change: c.881C>G on transcript NM_006516.4 (MANE Select); coding-DNA position 881, C replaced by G.
Protein change: p.Ser294Cys; replaces serine 294 with cysteine.
Molecular consequence: missense variant.
Genome position (GRCh38, 1-based): chr1:42,929,301, G>C on the plus strand (C>G on the coding strand, the complement: SLC2A1 is on the minus strand). VCF-style: chr1-42929301-G-C. GRCh37 (hg19) VCF-style: chr1-43394972-G-C.
Other names: short protein forms S294C.
Identifiers: ClinVar variation 1019182 (VCV001019182.9), dbSNP rs1557645723, ClinGen allele CA339956924.
Genomic context (GRCh38, chr1:42,929,301, plus strand): 5'-CCGGAGCCAATGGTGGCATACACAGGCTGCTGCACCCCCGCCTTCTCGAAGATGCTCGTG[G>C]AGTAATAGAAGACCTGCCAGACAAGAGAAACTGTTGGGGCCTACCTGGACATTGTGGCCC-3'
Protein context (NP_006507.2, residues 284-304): LSGINAVFYY[Ser294Cys]TSIFEKAGVQ